The following is an entry in ClinVar:

NM_002775.5(HTRA1):c.370A>G (p.Asn124Asp)

Gene: HTRA1 (HtrA serine peptidase 1; plus strand). Cytogenetic location: 10q26.13.
Variant type: single nucleotide variant.
Coding change: c.370A>G on transcript NM_002775.5 (MANE Select); coding-DNA position 370, A replaced by G.
Protein change: p.Asn124Asp; replaces asparagine 124 with aspartic acid.
Molecular consequence: missense variant.
Genome position (GRCh38, 1-based): chr10:122,462,022, A>G. VCF-style: chr10-122462022-A-G. GRCh37 (hg19) VCF-style: chr10-124221538-A-G.
Other names: short protein forms N124D.
Identifiers: ClinVar variation 1414737 (VCV001414737.6), dbSNP rs2133905421, ClinGen allele CA378606276.

ClinVar aggregate classification (germline): Uncertain significance (1 of 4 stars; one submission).

Submission:

Labcorp Genetics (formerly Invitae), Labcorp
Classification: Uncertain significance. Last evaluated: 2025-06-23. Review status: criteria provided, single submitter. Criteria: Invitae Variant Classification Sherloc (09022015). Collection method: clinical testing. Allele origin: germline.
Comment: This sequence change replaces asparagine, which is neutral and polar, with aspartic acid, which is acidic and polar, at codon 124 of the HTRA1 protein (p.Asn124Asp). This variant is not present in population databases (gnomAD no frequency). This variant has not been reported in the literature in individuals affected with HTRA1-related conditions. ClinVar contains an entry for this variant (Variation ID: 1414737). Invitae Evidence Modeling of protein sequence and biophysical properties (such as structural, functional, and spatial information, amino acid conservation, physicochemical variation, residue mobility, and thermodynamic stability) indicates that this missense variant is not expected to disrupt HTRA1 protein function with a negative predictive value of 95%. In summary, the available evidence is currently insufficient to determine the role of this variant in disease. Therefore, it has been classified as a Variant of Uncertain Significance.